The following is an entry in ClinVar:

ClinVar aggregate classification (germline): Uncertain significance. Review status: no assertion criteria provided (0 of 4 stars). 2 submissions from 2 submitters: Uncertain significance (2). Last evaluated 2024-02-13.

Conditions:
MIR184-related disorder. Also called: MIR184-related condition.
Developmental cataract. Also called: Bilateral cataracts; Congenital cataract; Congenital cataracts. Identifiers: MedGen C0009691, HP:0000519.

Allele frequency attached by ClinVar (database versions not stated): ExAC 0.00004; gnomAD exomes 0.00007 and 0.00009; ESP Exome Variant Server 0.00010; TOPMed 0.00012; gnomAD 0.00013 and 0.00014.

Submissions (2):

PreventionGenetics, part of Exact Sciences
Classification: Uncertain significance for MIR184-related condition. Last evaluated: 2024-02-13. Review status: no assertion criteria provided. Collection method: clinical testing. Allele origin: germline.
Comment: The MIR184 n.52T>C is a noncoding alteration. To our knowledge, this variant has not been reported in the literature. This variant is reported in 0.011% of alleles in individuals of European (Non-Finnish) descent in gnomAD, including a homozygous individual. Although we suspect that this variant may be benign, at this time, the clinical significance of this variant is uncertain due to the absence of conclusive functional and genetic evidence.

Dept. Genetics and Cancer, Menzies Institute for Medical Research, University of Tasmania
Classification: Uncertain significance for Developmental cataract. Last evaluated: 2021-05-01. Review status: no assertion criteria provided. Criteria: ACMG Guidelines, 2015. Collection method: research. Allele origin: germline. Affected: yes.
Comment: PM2, PP3. Absent/near absent from population databases. Multiple predictive tools assessing variant as damaging/pathogenic. BP4. RNA folding predictive evidence of non-damaging/benign effect on product.

NR_029705.1(MIR184):n.52T>C

Genes: ANKRD34C-AS1 (ANKRD34C antisense RNA 1; minus strand), MIR184 (microRNA 184; plus strand). Cytogenetic location: 15q25.1.
Variant type: single nucleotide variant.
Molecular consequence: non-coding transcript variant (on NR_029705.1).
Genome position: GRCh38 VCF-style: chr15-79209839-T-C. GRCh37 (hg19) VCF-style: chr15-79502181-T-C.
Identifiers: ClinVar variation 1065584 (VCV001065584.3), dbSNP rs375355076, ClinGen allele CA7689231.